The following is an entry in ClinVar:

ClinVar aggregate classification (germline): Uncertain significance. Review status: criteria provided, multiple submitters, no conflicts (2 of 4 stars). 6 submissions from 6 submitters: Uncertain significance (4). 2 of the submissions do not count toward it. Last evaluated 2025-07-22.

Conditions:
CEP290-related disorder. Also called: CEP290-related condition; CEP290-related disorders. Identifiers: MedGen CN239314.
Nephronophthisis. Also called: Juvenile Nephronophthisis. Identifiers: Orphanet 655, MedGen C0687120, MONDO:0019005, HP:0000090.
Meckel-Gruber syndrome. Also called: GRUBER SYNDROME; DYSENCEPHALIA SPLANCHNOCYSTICA; Dysencephalia splachnocystica. Identifiers: Orphanet 564, MedGen C0265215, MONDO:0018921.
Joubert syndrome. Also called: JOUBERT-BOLTSHAUSER SYNDROME; Familial aplasia of the vermis. Identifiers: Orphanet 475, MedGen C5979921, MONDO:0018772.
Leber congenital amaurosis (LCA). Also called: Leber's amaurosis. Identifiers: Orphanet 65, MedGen C0339527, MeSH D057130, MONDO:0018998.
Senior-Loken syndrome 6 (SLSN6). Identifiers: Orphanet 3156, MedGen C1857779, MONDO:0012433, OMIM 610189.
Leber congenital amaurosis 10 (LCA10). Identifiers: Orphanet 65, MedGen C1857821, MONDO:0012723, OMIM 611755.
Bardet-Biedl syndrome 14 (BBS14). Identifiers: Orphanet 110, MedGen C2673874, MONDO:0014442, OMIM 615991.
Joubert syndrome 5 (JBTS5). Identifiers: Orphanet 2318, MedGen C1857780, MONDO:0012432, OMIM 610188.
Meckel syndrome, type 4 (MKS4). Also called: MECKEL-GRUBER SYNDROME, TYPE 4. Identifiers: Orphanet 564, MedGen C1970161, MONDO:0012626, OMIM 611134.

Allele frequency attached by ClinVar (database versions not stated): ExAC below 0.00001; gnomAD 0.00003 and 0.00005; gnomAD exomes 0.00003; TOPMed 0.00004; 1000 Genomes Project 0.00020; 1000 Genomes Project 30x 0.00031.
gnomAD v4.1: 50 of 1,466,136 alleles (0.0034%); highest among the groups gnomAD compares: South Asian, 0.012%; no homozygotes.

Submissions (6):

Labcorp Genetics (formerly Invitae), Labcorp
Classification: Uncertain significance for Joubert syndrome; Meckel-Gruber syndrome; Nephronophthisis. Last evaluated: 2025-07-22. Review status: criteria provided, single submitter. Criteria: Invitae Variant Classification Sherloc (09022015). Collection method: clinical testing. Allele origin: germline.
Comment: This sequence change replaces valine, which is neutral and non-polar, with isoleucine, which is neutral and non-polar, at codon 463 of the CEP290 protein (p.Val463Ile). The frequency data for this variant in the population databases is considered unreliable, as metrics indicate poor data quality at this position in the gnomAD database. This variant has not been reported in the literature in individuals affected with CEP290-related conditions. ClinVar contains an entry for this variant (Variation ID: 461775). Invitae Evidence Modeling of protein sequence and biophysical properties (such as structural, functional, and spatial information, amino acid conservation, physicochemical variation, residue mobility, and thermodynamic stability) indicates that this missense variant is not expected to disrupt CEP290 protein function with a negative predictive value of 80%. In summary, the available evidence is currently insufficient to determine the role of this variant in disease. Therefore, it has been classified as a Variant of Uncertain Significance.

Blueprint Genetics
Classification: Uncertain significance. Last evaluated: 2024-05-28. Review status: criteria provided, single submitter. Criteria: ACMG Guidelines, 2015. Collection method: clinical testing. Allele origin: germline.

GeneDx
Classification: Uncertain significance. Last evaluated: 2023-05-31. Review status: criteria provided, single submitter. Criteria: GeneDx Variant Classification Process June 2021. Collection method: clinical testing. Allele origin: germline. Affected: yes.
Comment: Not observed at significant frequency in large population cohorts (gnomAD); In silico analysis supports that this missense variant does not alter protein structure/function; Has not been previously published as pathogenic or benign to our knowledge

Fulgent Genetics
Classification: Uncertain significance for Joubert syndrome 5; Senior-Loken syndrome 6; Meckel syndrome, type 4; Leber congenital amaurosis 10; Bardet-Biedl syndrome 14. Last evaluated: 2022-05-12. Review status: criteria provided, single submitter. Criteria: ACMG Guidelines, 2015. Collection method: clinical testing. Allele origin: unknown.

PreventionGenetics, part of Exact Sciences
Classification: Uncertain significance for CEP290-related condition. Last evaluated: 2024-06-03. Review status: no assertion criteria provided. Collection method: clinical testing. Allele origin: germline. Not counted in ClinVar's aggregate classification.
Comment: The CEP290 c.1387G>A variant is predicted to result in the amino acid substitution p.Val463Ile. To our knowledge, this variant has not been reported in the literature. This variant is reported in 0.012% of alleles in individuals of African descent in gnomAD. At this time, the clinical significance of this variant is uncertain due to the absence of conclusive functional and genetic evidence.

Natera, Inc.
Classification: Uncertain significance for Leber congenital amaurosis. Last evaluated: 2019-10-28. Review status: no assertion criteria provided. Collection method: clinical testing. Allele origin: germline. Not counted in ClinVar's aggregate classification.

NM_025114.4(CEP290):c.1387G>A (p.Val463Ile)

Gene: CEP290 (centrosomal protein 290; minus strand). Cytogenetic location: 12q21.32.
Variant type: single nucleotide variant.
Coding change: c.1387G>A on transcript NM_025114.4 (MANE Select); coding-DNA position 1387, G replaced by A.
Protein change: p.Val463Ile; replaces valine 463 with isoleucine.
Molecular consequence: missense variant.
Genome position (GRCh38, 1-based): chr12:88,120,249, C>T on the plus strand (G>A on the coding strand, the complement: CEP290 is on the minus strand). VCF-style: chr12-88120249-C-T. GRCh37 (hg19) VCF-style: chr12-88514026-C-T.
Other names: short protein forms V463I.
Identifiers: ClinVar variation 461775 (VCV000461775.12), dbSNP rs558414868, ClinGen allele CA6712560.
Genomic context (GRCh38, chr12:88,120,249, plus strand): 5'-TTAATATTTCAATCTCTCGATCTCTTATTTTAATTTGGTTTTTACAATTCTTTATTTCAA[C>T]GACAGCATCTTCTAAACCATATACTCCCTGAAAAATATCCAATTTAATTTAAAATATAAC-3'
Protein context (NP_079390.3, residues 453-473): SGVYGLEDAV[Val463Ile]EIKNCKNQIK